The following is an entry in ClinVar:

NM_000069.3(CACNA1S):c.1414C>T (p.Leu472=)

Gene: CACNA1S (calcium voltage-gated channel subunit alpha1 S; minus strand). Cytogenetic location: 1q32.1.
Variant type: single nucleotide variant.
Coding change: c.1414C>T on transcript NM_000069.3 (MANE Select); coding-DNA position 1414, C replaced by T.
Protein change: p.Leu472=; no amino-acid change (leucine 472 retained).
Molecular consequence: synonymous variant.
Genome position (GRCh38, 1-based): chr1:201,078,084, G>A on the plus strand (C>T on the coding strand, the complement: CACNA1S is on the minus strand). VCF-style: chr1-201078084-G-A. GRCh37 (hg19) VCF-style: chr1-201047212-G-A.
Identifiers: ClinVar variation 4758508 (VCV004758508.1).
Genomic context (GRCh38, chr1:201,078,084, plus strand): 5'-AGTACTGGCGCAGGCCCAGCCCGTACATCTTCATCAGCATCTCAGTGGTGAAGAGGGACA[G>A]CAGCACCCGGTTGGCAATGTCTGTAGGGTTGGTGGCACAGCCCCGGCATCACTCTCCTTC-3'
Protein context (NP_000060.2, residues 462-482): RLQDIANRVL[Leu472=]SLFTTEMLMK

ClinVar aggregate classification (germline): Uncertain significance (1 of 4 stars; one submission).

Conditions:
Malignant hyperthermia, susceptibility to, 5 (MHS5). Also called: CACNA1S-Related Malignant Hyperthermia Susceptibility. Identifiers: Orphanet 423, MedGen C1866077, MONDO:0011163, OMIM 601887.

Submission:

Color Diagnostics, LLC DBA Color Health
Classification: Uncertain significance for Malignant hyperthermia, susceptibility to, 5. Last evaluated: 2025-07-08. Review status: criteria provided, single submitter. Criteria: ACMG Guidelines, 2015. Collection method: clinical testing. Allele origin: germline.
Comment: This variant is located in the CACNA1S protein. To our knowledge, functional studies have not been reported for this variant. This variant has not been reported in individuals affected with CACNA1S-related disorders in the literature. This variant has not been identified in the general population by the Genome Aggregation Database (gnomAD). The available evidence is insufficient to determine the role of this variant in disease conclusively. Therefore, this variant is classified as a Variant of Uncertain Significance.